The following is an entry in ClinVar:

NC_012920.1(MT-CO3):m.9439G>A

Gene: MT-CO3 (mitochondrially encoded cytochrome c oxidase III; plus strand).
Variant type: single nucleotide variant.
Genome position: chrM-9439-G-A.
Identifiers: ClinVar variation 693162 (VCV000693162.1), dbSNP rs1603222309, ClinGen allele CA414802947.
Genomic context (GRCh38, chrMT:9,439, plus strand): 5'-GGCGCGATGTAACACGAGAAAGCACATACCAAGGCCACCACACACCACCTGTCCAAAAAG[G>A]CCTTCGATACGGGATAATCCTATTTATTACCTCAGAAGTTTTTTTCTTCGCAGGATTTTT-3'

ClinVar aggregate classification (germline): Uncertain significance (1 of 4 stars; one submission).

Conditions:
Leigh syndrome (NULS). Also called: Leigh's necrotizing encephalopathy; Leigh's disease; Leigh Syndrome (mtDNA deletion); Leigh Disease; Subacute necrotizing encephalopathy; Necrotizing encephalopathy infantile subacute of Leigh. Identifiers: Orphanet 506, MedGen C2931891, MONDO:0009723, OMIM 256000.

Submission:

Wong Mito Lab, Molecular and Human Genetics, Baylor College of Medicine
Classification: Uncertain significance for Leigh syndrome. Last evaluated: 2019-10-17. Review status: criteria provided, single submitter. Criteria: Modified ACMG Guidelines (Unpublished). Collection method: clinical testing. Allele origin: germline.
Comment: The NC_012920.1:m.9439G>A (YP_003024032.1:p.Gly78Asp) variant in MTCO3 gene is interpretated to be a Uncertain Significance variant based on the modified ACMG guidelines (unpublished). This variant meets the following evidence codes: PP7